The following is an entry in ClinVar:

ClinVar aggregate classification (germline): Benign/Likely benign. Review status: criteria provided, multiple submitters, no conflicts (2 of 4 stars). 2 submissions from 2 submitters: Benign (1); Likely benign (1). Last evaluated 2025-01-31.

Conditions:
Hereditary cancer-predisposing syndrome. Also called: Neoplastic Syndromes, Hereditary; Tumor predisposition; Hereditary Cancer Syndrome; Hereditary neoplastic syndrome. Identifiers: Orphanet 140162, MedGen C0027672, MeSH D009386, MONDO:0015356.
Lynch syndrome 4 (LYNCH4). Also called: Colorectal cancer, hereditary nonpolyposis, type 4; Hereditary non-polyposis colorectal cancer, type 4. Identifiers: Orphanet 144, MedGen C1838333, MONDO:0013699, OMIM 614337. Disease mechanism: loss of function.

Submissions (2):

Myriad Genetics, Inc.
Classification: Benign for Lynch syndrome 4. Last evaluated: 2025-01-31. Review status: criteria provided, single submitter. Criteria: Myriad Autosomal Dominant, Autosomal Recessive and X-Linked Classification Criteria (2023). Collection method: clinical testing. Allele origin: unknown.
Comment: This variant is considered benign. This variant is a silent/synonymous amino acid change and it is not expected to impact splicing.

Ambry Genetics
Classification: Likely benign for Hereditary cancer-predisposing syndrome. Last evaluated: 2024-07-27. Review status: criteria provided, single submitter. Criteria: Ambry Variant Classification Scheme 2023. Collection method: clinical testing. Allele origin: germline.

NM_000535.7(PMS2):c.1704A>C (p.Pro568=)

Gene: PMS2 (PMS1 homolog 2, mismatch repair system component; minus strand). Cytogenetic location: 7p22.1.
Variant type: single nucleotide variant.
Coding change: c.1704A>C on transcript NM_000535.7 (MANE Select); coding-DNA position 1704, A replaced by C.
Protein change: p.Pro568=; no amino-acid change (proline 568 retained).
Molecular consequence: synonymous variant. On other transcripts: non-coding transcript variant (1), intron variant (1).
Genome position (GRCh38, 1-based): chr7:5,987,061, T>G on the plus strand (A>C on the coding strand, the complement: PMS2 is on the minus strand). VCF-style: chr7-5987061-T-G. GRCh37 (hg19) VCF-style: chr7-6026692-T-G.
Other names: c.1299A>C, p.Pro433= (NM_001322003.2, NM_001322004.2, NM_001322005.2 and 16 more transcripts); c.1548A>C, p.Pro516= (NM_001322006.2, NM_001406870.1); c.1386A>C, p.Pro462= (NM_001322007.2, NM_001322008.2, NM_001406876.1 and 2 more transcripts); c.1143A>C, p.Pro381= (NM_001322010.2, NM_001406906.1, NM_001406907.1); c.771A>C, p.Pro257= (NM_001322011.2, NM_001322012.2); c.1131A>C, p.Pro377= (NM_001322013.2, NM_001406909.1); c.1704A>C, p.Pro568= (NM_001322014.2, NM_001406871.1, NM_001406872.1); c.1395A>C, p.Pro465= (NM_001322015.2, NM_001406875.1, NM_001406877.1 and 5 more transcripts); and 13 more.
Identifiers: ClinVar variation 3421480 (VCV003421480.2).